The following is an entry in ClinVar:

NM_033380.3(COL4A5):c.385-11A>G

Gene: COL4A5 (collagen type IV alpha 5 chain; plus strand). Cytogenetic location: Xq22.3.
Variant type: single nucleotide variant.
Coding change: c.385-11A>G on transcript NM_033380.3 (MANE Select); 11 bases into the intron before coding-DNA position 385, A replaced by G.
Molecular consequence: intron variant.
Genome position (GRCh38, 1-based): chrX:108,571,402, A>G. VCF-style: chrX-108571402-A-G. GRCh37 (hg19) VCF-style: chrX-107814632-A-G.
Other names: c.385-11A>G (NM_000495.5).
Identifiers: ClinVar variation 2012573 (VCV002012573.4), dbSNP rs2524207393, ClinGen allele CA2580100244.

ClinVar aggregate classification (germline): Uncertain significance (1 of 4 stars; one submission).

Submission:

Labcorp Genetics (formerly Invitae), Labcorp
Classification: Uncertain significance. Last evaluated: 2025-08-16. Review status: criteria provided, single submitter. Criteria: Invitae Variant Classification Sherloc (09022015). Collection method: clinical testing. Allele origin: germline.
Comment: This sequence change falls in intron 6 of the COL4A5 gene. It does not directly change the encoded amino acid sequence of the COL4A5 protein. This variant is not present in population databases (gnomAD no frequency). This variant has been observed in individual(s) with Alport syndrome (internal data). It has also been observed to segregate with disease in related individuals. ClinVar contains an entry for this variant (Variation ID: 2012573). Algorithms developed to predict the effect of sequence changes on RNA splicing suggest that this variant may disrupt the consensus splice site. In summary, the available evidence is currently insufficient to determine the role of this variant in disease. Therefore, it has been classified as a Variant of Uncertain Significance.